The following is an entry in ClinVar:

ClinVar aggregate classification (germline): Pathogenic (1 of 4 stars; one submission).

Conditions:
Smith-Lemli-Opitz syndrome (SLOS). Also called: POLYDACTYLY, SEX REVERSAL, RENAL HYPOPLASIA, AND UNILOBAR LUNG; RSH SYNDROME; RUTLEDGE LETHAL MULTIPLE CONGENITAL ANOMALY SYNDROME; 7-Dehydrocholesterol reductase deficiency; LETHAL ACRODYSGENITAL SYNDROME. Identifiers: Orphanet 818, MedGen C0175694, MONDO:0010035, OMIM 270400.

Submission:

Labcorp Genetics (formerly Invitae), Labcorp
Classification: Pathogenic for Smith-Lemli-Opitz syndrome. Last evaluated: 2021-05-02. Review status: criteria provided, single submitter. Criteria: Invitae Variant Classification Sherloc (09022015). Collection method: clinical testing. Allele origin: germline.
Comment: This variant disrupts the C-terminus of the DHCR7 protein. Other variant(s) that disrupt this region (p.Lys376Argfs*37) have been determined to be pathogenic (PMID: 18006960, Invitae). This suggests that variants that disrupt this region of the protein are likely to be causative of disease. For these reasons, this variant has been classified as Pathogenic. This variant has not been reported in the literature in individuals with DHCR7-related conditions. This variant is not present in population databases (ExAC no frequency). This sequence change results in a frameshift in the DHCR7 gene (p.Tyr324Leufs*232). While this is not anticipated to result in nonsense mediated decay, it is expected to disrupt the last 152 amino acid(s) of the DHCR7 protein and extend the protein by 79 additional amino acid residues.

Literature cited by the submitters: PubMed 18006960.

NM_001360.3(DHCR7):c.969_970del (p.Tyr324fs)

Gene: DHCR7 (7-dehydrocholesterol reductase; minus strand). Cytogenetic location: 11q13.4.
Variant type: Deletion.
Coding change: c.969_970del on transcript NM_001360.3 (MANE Select); coding-DNA positions 969 to 970, 2 bases deleted (GT; older notation c.969_970delGT).
Protein change: p.Tyr324fs; shifts the reading frame from tyrosine 324.
Molecular consequence: frameshift variant.
Genome position (GRCh38, 1-based): chr11:71,435,833-71,435,834, AC deleted on the plus strand (GT on the coding strand, the reverse complement: DHCR7 is on the minus strand); deleting any 2 consecutive bases within chr11:71,435,833-71,435,835 gives the same sequence; the c. name uses the placement nearest the transcript's 3' end. VCF-style (leftmost placement, unchanged base first): chr11-71435832-TAC-T. GRCh37 (hg19) VCF-style: chr11-71146878-TAC-T.
Other names: c.969_970del, p.Tyr324fs (NM_001163817.2); short protein forms Y324fs.
Identifiers: ClinVar variation 1383040 (VCV001383040.8), dbSNP rs2135940147, ClinGen allele CA2573147613.